The following is an entry in ClinVar:

ClinVar aggregate classification (germline): Benign (1 of 4 stars; one submission).

Allele frequency attached by ClinVar (database versions not stated): 1000 Genomes Project 0.00519; 1000 Genomes Project 30x 0.00640; TOPMed 0.00830; gnomAD 0.00892; ExAC 0.01114; gnomAD exomes 0.01209.
gnomAD v4.1: 18,073 of 1,550,412 alleles (1.2%); highest among the groups gnomAD compares: Non-Finnish European, 1.3%; 151 homozygotes.

Submission:

CeGaT Center for Human Genetics Tuebingen
Classification: Benign. Last evaluated: 2026-03-01. Review status: criteria provided, single submitter. Criteria: CeGaT Center For Human Genetics Tuebingen Variant Classification Criteria Version 2. Collection method: clinical testing. Allele origin: germline. Affected: yes. Observed: 5 variant alleles.
Comment: MCM9: BP4, BP7, BS1, BS2

NM_017696.3(MCM9):c.2889C>T (p.Asp963=)

Gene: MCM9 (minichromosome maintenance 9 homologous recombination repair factor; minus strand). Cytogenetic location: 6q22.31.
Variant type: single nucleotide variant.
Coding change: c.2889C>T on transcript NM_017696.3 (MANE Select); coding-DNA position 2889, C replaced by T.
Protein change: p.Asp963=; no amino-acid change (aspartic acid 963 retained).
Molecular consequence: synonymous variant. On other transcripts: 3 prime UTR variant (4), non-coding transcript variant (1).
Genome position (GRCh38, 1-based): chr6:118,815,367, G>A on the plus strand (C>T on the coding strand, the complement: MCM9 is on the minus strand). VCF-style: chr6-118815367-G-A. GRCh37 (hg19) VCF-style: chr6-119136530-G-A.
Other names: c.2889C>T, p.Asp963= (NM_001378356.1, NM_001378357.1); c.*796C>T (NM_001378359.1, NM_001378360.1, NM_001378366.1 and 1 more transcripts); c.2685C>T, p.Asp895= (NM_001378364.1).
Identifiers: ClinVar variation 3067201 (VCV003067201.21), dbSNP rs117470188, ClinGen allele CA3978270.